The following is an entry in ClinVar:

ClinVar aggregate classification (germline): Uncertain significance (1 of 4 stars; one submission).

Conditions:
Congenital myasthenic syndrome 20. Also called: Myasthenic syndrome, congenital, 20, presynaptic. Identifiers: MedGen C4310694, MONDO:0014939, OMIM 617143.
Neuronopathy, distal hereditary motor, type 7A. Also called: Neuronopathy, distal hereditary motor, type viia; HARPER-YOUNG MYOPATHY; HMN VIIA; NEURONOPATHY, DISTAL HEREDITARY MOTOR, HARDING TYPE VIIA; NEUROPATHY, DISTAL HEREDITARY MOTOR, HARDING TYPE VIIA; Neuronopathy, distal hereditary motor, autosomal dominant 7. Identifiers: Orphanet 139589, MedGen C1834703, MONDO:0008024, OMIM 158580.

Allele frequency attached by ClinVar (database versions not stated): gnomAD exomes below 0.00001; gnomAD 0.00001; TOPMed 0.00002.

Submission:

Labcorp Genetics (formerly Invitae), Labcorp
Classification: Uncertain significance for Neuronopathy, distal hereditary motor, type 7A; Congenital myasthenic syndrome 20. Last evaluated: 2024-08-28. Review status: criteria provided, single submitter. Criteria: Invitae Variant Classification Sherloc (09022015). Collection method: clinical testing. Allele origin: germline.
Comment: This sequence change replaces glycine, which is neutral and non-polar, with valine, which is neutral and non-polar, at codon 46 of the SLC5A7 protein (p.Gly46Val). This variant is not present in population databases (gnomAD no frequency). This variant has not been reported in the literature in individuals affected with SLC5A7-related conditions. Invitae Evidence Modeling of protein sequence and biophysical properties (such as structural, functional, and spatial information, amino acid conservation, physicochemical variation, residue mobility, and thermodynamic stability) indicates that this missense variant is expected to disrupt SLC5A7 protein function with a positive predictive value of 80%. In summary, the available evidence is currently insufficient to determine the role of this variant in disease. Therefore, it has been classified as a Variant of Uncertain Significance.

NM_021815.5(SLC5A7):c.137G>T (p.Gly46Val)

Gene: SLC5A7 (solute carrier family 5 member 7; plus strand). Cytogenetic location: 2q12.3.
Variant type: single nucleotide variant.
Coding change: c.137G>T on transcript NM_021815.5 (MANE Select); coding-DNA position 137, G replaced by T.
Protein change: p.Gly46Val; replaces glycine 46 with valine.
Molecular consequence: missense variant. On other transcripts: 5 prime UTR variant (1), intron variant (1).
Genome position (GRCh38, 1-based): chr2:107,988,292, G>T. VCF-style: chr2-107988292-G-T. GRCh37 (hg19) VCF-style: chr2-108604748-G-T.
Other names: c.137G>T, p.Gly46Val (NM_001305005.3); c.-568G>T (NM_001305007.3); c.-138+1529G>T (NM_001305006.3); short protein forms G46V.
Identifiers: ClinVar variation 2933064 (VCV002933064.3), dbSNP rs1375363831, ClinGen allele CA348020034.